The following is an entry in ClinVar:

ClinVar aggregate classification (germline): Likely benign. Review status: criteria provided, multiple submitters, no conflicts (2 of 4 stars). 2 submissions from 2 submitters: Likely benign (2). Last evaluated 2025-06-01.

Allele frequency attached by ClinVar (database versions not stated): gnomAD exomes 0.00021; ExAC 0.00030; 1000 Genomes Project 30x 0.00062.

Submissions (2):

CeGaT Center for Human Genetics Tuebingen
Classification: Likely benign. Last evaluated: 2025-06-01. Review status: criteria provided, single submitter. Criteria: CeGaT Center For Human Genetics Tuebingen Variant Classification Criteria Version 2. Collection method: clinical testing. Allele origin: germline. Affected: yes. Observed: 1 variant allele.
Comment: ZXDA: BS2

Ambry Genetics
Classification: Likely benign. Last evaluated: 2022-04-14. Review status: criteria provided, single submitter. Criteria: Ambry Variant Classification Scheme 2023. Collection method: clinical testing. Allele origin: germline.

NM_007156.5(ZXDA):c.377A>G (p.Asp126Gly)

Gene: ZXDA (zinc finger X-linked duplicated A; minus strand). Cytogenetic location: Xp11.21.
Variant type: single nucleotide variant.
Coding change: c.377A>G on transcript NM_007156.5 (MANE Select); coding-DNA position 377, A replaced by G.
Protein change: p.Asp126Gly; replaces aspartic acid 126 with glycine.
Molecular consequence: missense variant.
Genome position (GRCh38, 1-based): chrX:57,910,044, T>C on the plus strand (A>G on the coding strand, the complement: ZXDA is on the minus strand). VCF-style: chrX-57910044-T-C. GRCh37 (hg19) VCF-style: chrX-57936478-T-C.
Other names: short protein forms D126G.
Identifiers: ClinVar variation 2357197 (VCV002357197.12), dbSNP rs757460887, ClinGen allele CA10431636.